The following is an entry in ClinVar:

NM_001083926.2(ASRGL1):c.725A>G (p.Lys242Arg)

Gene: ASRGL1 (asparaginase and isoaspartyl peptidase 1; plus strand). Cytogenetic location: 11q12.3.
Variant type: single nucleotide variant.
Coding change: c.725A>G on transcript NM_001083926.2 (MANE Select); coding-DNA position 725, A replaced by G.
Protein change: p.Lys242Arg; replaces lysine 242 with arginine.
Molecular consequence: missense variant.
Genome position (GRCh38, 1-based): chr11:62,392,082, A>G. VCF-style: chr11-62392082-A-G. GRCh37 (hg19) VCF-style: chr11-62159554-A-G.
Other names: c.725A>G, p.Lys242Arg (NM_025080.4); short protein forms K242R.
Identifiers: ClinVar variation 2395109 (VCV002395109.6), dbSNP rs750731354, ClinGen allele CA6043318.

ClinVar aggregate classification (germline): Uncertain significance. Review status: criteria provided, multiple submitters, no conflicts (2 of 4 stars). 2 submissions from 2 submitters: Uncertain significance (2). Last evaluated 2025-08-22.

Allele frequency attached by ClinVar (database versions not stated): ExAC 0.00002; gnomAD 0.00002; gnomAD exomes 0.00003; TOPMed 0.00003.
gnomAD v4.1: 48 of 1,614,034 alleles (0.003%); highest among the groups gnomAD compares: Non-Finnish European, 0.004%; no homozygotes.

Submissions (2):

Ambry Genetics
Classification: Uncertain significance. Last evaluated: 2025-08-22. Review status: criteria provided, single submitter. Criteria: Ambry Variant Classification Scheme 2023. Collection method: clinical testing. Allele origin: germline.

Labcorp Genetics (formerly Invitae), Labcorp
Classification: Uncertain significance. Last evaluated: 2023-07-26. Review status: criteria provided, single submitter. Criteria: Invitae Variant Classification Sherloc (09022015). Collection method: clinical testing. Allele origin: germline.
Comment: In summary, the available evidence is currently insufficient to determine the role of this variant in disease. Therefore, it has been classified as a Variant of Uncertain Significance. This sequence change replaces lysine, which is basic and polar, with arginine, which is basic and polar, at codon 242 of the ASRGL1 protein (p.Lys242Arg). This variant is present in population databases (rs750731354, gnomAD 0.002%). This variant has not been reported in the literature in individuals affected with ASRGL1-related conditions. ClinVar contains an entry for this variant (Variation ID: 2395109). An algorithm developed to predict the effect of missense changes on protein structure and function (PolyPhen-2) suggests that this variant is likely to be tolerated. Algorithms developed to predict the effect of sequence changes on RNA splicing suggest that this variant may disrupt the consensus splice site.